The following is an entry in ClinVar:

NM_001385641.1(SAMD11):c.2078A>T (p.Asp693Val)

Genes: SAMD11 (sterile alpha motif domain containing 11; plus strand), LOC129929063 (ATAC-STARR-seq lymphoblastoid active region 4; plus strand). Cytogenetic location: 1p36.33.
Variant type: single nucleotide variant.
Coding change: c.2078A>T on transcript NM_001385641.1 (MANE Select); coding-DNA position 2078, A replaced by T.
Protein change: p.Asp693Val; replaces aspartic acid 693 with valine.
Molecular consequence: missense variant.
Genome position (GRCh38, 1-based): chr1:943,277, A>T. VCF-style: chr1-943277-A-T. GRCh37 (hg19) VCF-style: chr1-878657-A-T.
Other names: c.2081A>T, p.Asp694Val (NM_001385640.1); c.1589A>T, p.Asp530Val (NM_152486.4); short protein forms D694V, D530V, D693V.
Identifiers: ClinVar variation 1487212 (VCV001487212.3), dbSNP rs887886599, ClinGen allele CA16726220.

ClinVar aggregate classification (germline): Uncertain significance (1 of 4 stars; one submission).

Allele frequency attached by ClinVar (database versions not stated): gnomAD exomes 0.00001 and 0.00002; TOPMed 0.00002.

Submission:

Labcorp Genetics (formerly Invitae), Labcorp
Classification: Uncertain significance. Last evaluated: 2022-07-12. Review status: criteria provided, single submitter. Criteria: Invitae Variant Classification Sherloc (09022015). Collection method: clinical testing. Allele origin: germline.
Comment: This sequence change replaces aspartic acid, which is acidic and polar, with valine, which is neutral and non-polar, at codon 530 of the SAMD11 protein (p.Asp530Val). This variant is present in population databases (no rsID available, gnomAD 0.01%). This variant has not been reported in the literature in individuals affected with SAMD11-related conditions. ClinVar contains an entry for this variant (Variation ID: 1487212). Algorithms developed to predict the effect of missense changes on protein structure and function (SIFT, PolyPhen-2, Align-GVGD) all suggest that this variant is likely to be disruptive. Algorithms developed to predict the effect of sequence changes on RNA splicing suggest that this variant may create or strengthen a splice site. In summary, the available evidence is currently insufficient to determine the role of this variant in disease. Therefore, it has been classified as a Variant of Uncertain Significance.